The following is an entry in ClinVar:

NM_020708.5(SLC12A5):c.1628G>A (p.Cys543Tyr)

Gene: SLC12A5 (solute carrier family 12 member 5; plus strand). Cytogenetic location: 20q13.12.
Variant type: single nucleotide variant.
Coding change: c.1628G>A on transcript NM_020708.5 (MANE Select); coding-DNA position 1628, G replaced by A.
Protein change: p.Cys543Tyr; replaces cysteine 543 with tyrosine.
Molecular consequence: missense variant.
Genome position (GRCh38, 1-based): chr20:46,045,936, G>A. VCF-style: chr20-46045936-G-A. GRCh37 (hg19) VCF-style: chr20-44674575-G-A.
Other names: c.1697G>A, p.Cys566Tyr (NM_001134771.2); short protein forms C543Y, C566Y.
Identifiers: ClinVar variation 4085939 (VCV004085939.8).

ClinVar aggregate classification (germline): Uncertain significance (1 of 4 stars; one submission).

Submission:

CeGaT Center for Human Genetics Tuebingen
Classification: Uncertain significance. Last evaluated: 2025-08-01. Review status: criteria provided, single submitter. Criteria: CeGaT Center For Human Genetics Tuebingen Variant Classification Criteria Version 2. Collection method: clinical testing. Allele origin: germline. Affected: yes. Observed: 1 variant allele.
Comment: SLC12A5: PM2, PP3